The following is an entry in ClinVar:

NM_012418.4(FSCN2):c.446G>A (p.Arg149Gln)

Gene: FSCN2 (fascin actin-bundling protein 2, retinal; plus strand). Cytogenetic location: 17q25.3.
Variant type: single nucleotide variant.
Coding change: c.446G>A on transcript NM_012418.4 (MANE Select); coding-DNA position 446, G replaced by A.
Protein change: p.Arg149Gln; replaces arginine 149 with glutamine.
Molecular consequence: missense variant.
Genome position (GRCh38, 1-based): chr17:81,528,977, G>A. VCF-style: chr17-81528977-G-A. GRCh37 (hg19) VCF-style: chr17-79496003-G-A.
Other names: c.446G>A, p.Arg149Gln (NM_001077182.3); short protein forms R149Q.
Identifiers: ClinVar variation 500444 (VCV000500444.18), dbSNP rs181961770, ClinGen allele CA8836681.

ClinVar aggregate classification (germline): Conflicting classifications of pathogenicity. Review status: criteria provided, conflicting classifications (1 of 4 stars). 3 submissions from 3 submitters: Uncertain significance (2); Likely benign (1). Last evaluated 2025-12-03.

Allele frequency attached by ClinVar (database versions not stated): 1000 Genomes Project 30x 0.00016; 1000 Genomes Project 0.00020; gnomAD 0.00057; gnomAD exomes 0.00060; TOPMed 0.00068; ESP Exome Variant Server 0.00103; ExAC 0.00115.

Submissions (3):

Labcorp Genetics (formerly Invitae), Labcorp
Classification: Uncertain significance. Last evaluated: 2025-12-03. Review status: criteria provided, single submitter. Criteria: Invitae Variant Classification Sherloc (09022015). Collection method: clinical testing. Allele origin: germline.
Comment: This sequence change replaces arginine, which is basic and polar, with glutamine, which is neutral and polar, at codon 149 of the FSCN2 protein (p.Arg149Gln). This variant is present in population databases (rs181961770, gnomAD 0.1%), and has an allele count higher than expected for a pathogenic variant. This missense change has been observed in individual(s) with retinitis pigmentosa (PMID: 16280978). ClinVar contains an entry for this variant (Variation ID: 500444). An algorithm developed to predict the effect of missense changes on protein structure and function (PolyPhen-2) suggests that this variant is likely to be disruptive. In summary, the available evidence is currently insufficient to determine the role of this variant in disease. Therefore, it has been classified as a Variant of Uncertain Significance.

CeGaT Center for Human Genetics Tuebingen
Classification: Likely benign. Last evaluated: 2025-11-01. Review status: criteria provided, single submitter. Criteria: CeGaT Center For Human Genetics Tuebingen Variant Classification Criteria Version 2. Collection method: clinical testing. Allele origin: germline. Affected: yes. Observed: 1 variant allele.
Comment: FSCN2: BS2

Eurofins Ntd Llc (ga)
Classification: Uncertain significance. Last evaluated: 2017-02-24. Review status: criteria provided, single submitter. Criteria: EGL Classification Definitions 2015. Collection method: clinical testing. Allele origin: germline. Observed: 1 variant allele, 1 heterozygote.

Literature cited by the submitters: PubMed 16280978 (cited by Labcorp Genetics (formerly Invitae), Labcorp).